The following is an entry in ClinVar:

ClinVar aggregate classification (germline): Benign/Likely benign. Review status: criteria provided, multiple submitters, no conflicts (2 of 4 stars). 6 submissions from 6 submitters: Benign (2); Likely benign (4). Last evaluated 2025-12-15.

Conditions:
Autosomal dominant nocturnal frontal lobe epilepsy 4. Also called: EPILEPSY, FAMILIAL, WITH NOCTURNAL WANDERING AND ICTAL FEAR; CHRNA2-Related Nocturnal Frontal Lobe Epilepsy, Autosomal Dominant. Identifiers: Orphanet 98784, MedGen C1835905, MONDO:0012474, OMIM 610353.
Familial sleep-related hypermotor epilepsy. Also called: Autosomal Dominant Sleep-Related Hypermotor (Hyperkinetic) Epilepsy. Identifiers: Orphanet 98784, MedGen C3696898, MONDO:0000030.
Inborn genetic diseases. Identifiers: MedGen C0950123, MeSH D030342.

Allele frequency attached by ClinVar (database versions not stated): gnomAD exomes 0.00009 and 0.00014; ExAC 0.00013; TOPMed 0.00014; gnomAD 0.00015 and 0.00018; ESP Exome Variant Server 0.00023.
gnomAD v4.1: 238 of 1,614,006 alleles (0.015%); highest among the groups gnomAD compares: Non-Finnish European, 0.017%; no homozygotes.

Submissions (6):

Labcorp Genetics (formerly Invitae), Labcorp
Classification: Likely benign. Last evaluated: 2025-12-15. Review status: criteria provided, single submitter. Criteria: Invitae Variant Classification Sherloc (09022015). Collection method: clinical testing. Allele origin: germline.

Blueprint Genetics
Classification: Likely benign. Last evaluated: 2024-02-07. Review status: criteria provided, single submitter. Criteria: ACMG Guidelines, 2015. Collection method: clinical testing. Allele origin: germline.

CeGaT Center for Human Genetics Tuebingen
Classification: Likely benign. Last evaluated: 2023-07-01. Review status: criteria provided, single submitter. Criteria: CeGaT Center For Human Genetics Tuebingen Variant Classification Criteria Version 2. Collection method: clinical testing. Allele origin: germline. Affected: yes. Observed: 3 variant alleles.
Comment: CHRNA2: BP4, BP7

GeneDx
Classification: Benign. Last evaluated: 2019-06-04. Review status: criteria provided, single submitter. Criteria: GeneDx Variant Classification Process June 2021. Collection method: clinical testing. Allele origin: germline. Affected: yes.

Illumina Laboratory Services, Illumina
Classification: Benign for Autosomal dominant nocturnal frontal lobe epilepsy 4. Last evaluated: 2018-01-13. Review status: criteria provided, single submitter. Criteria: ICSL Variant Classification Criteria 13 December 2019. Collection method: clinical testing. Allele origin: germline.
Comment: This variant was observed in the ICSL laboratory as part of a predisposition screen in an ostensibly healthy population. It had not been previously curated by ICSL or reported in the Human Gene Mutation Database (HGMD: prior to June 1st, 2018), and was therefore a candidate for classification through an automated scoring system. Utilizing variant allele frequency, disease prevalence and penetrance estimates, and inheritance mode, an automated score was calculated to assess if this variant is too frequent to cause the disease. Based on the score and internal cut-off values, a variant classified as benign is not then subjected to further curation. The score for this variant resulted in a classification of benign for this disease.

Ambry Genetics
Classification: Likely benign for Inborn genetic diseases. Last evaluated: 2017-02-24. Review status: criteria provided, single submitter. Criteria: Ambry Variant Classification Scheme 2023. Collection method: clinical testing. Allele origin: germline.

NM_000742.4(CHRNA2):c.45C>T (p.Ser15=)

Gene: CHRNA2 (cholinergic receptor nicotinic alpha 2 subunit; minus strand). Cytogenetic location: 8p21.2.
Variant type: single nucleotide variant.
Coding change: c.45C>T on transcript NM_000742.4 (MANE Select); coding-DNA position 45, C replaced by T.
Protein change: p.Ser15=; no amino-acid change (serine 15 retained).
Molecular consequence: synonymous variant. On other transcripts: 5 prime UTR variant (4).
Genome position (GRCh38, 1-based): chr8:27,471,014, G>A on the plus strand (C>T on the coding strand, the complement: CHRNA2 is on the minus strand). VCF-style: chr8-27471014-G-A. GRCh37 (hg19) VCF-style: chr8-27328531-G-A.
Other names: c.45C>T, p.Ser15= (NM_001282455.2); c.-383C>T (NM_001347705.2); c.-428C>T (NM_001347706.2); c.-369C>T (NM_001347707.2); c.-417C>T (NM_001347708.2).
Identifiers: ClinVar variation 362699 (VCV000362699.56), dbSNP rs149934219, ClinGen allele CA4689820.